The following is an entry in ClinVar:

ClinVar aggregate classification (germline): Uncertain significance. Review status: criteria provided, multiple submitters, no conflicts (2 of 4 stars). 2 submissions from 2 submitters: Uncertain significance (2). Last evaluated 2023-06-02.

Conditions:
Amyotrophic lateral sclerosis type 4 (ALS4). Also called: NEURONOPATHY, DISTAL HEREDITARY MOTOR, WITH PYRAMIDAL FEATURES; AMYOTROPHIC LATERAL SCLEROSIS 4, JUVENILE. Identifiers: Orphanet 357043, MedGen C1865409, MONDO:0011223, OMIM 602433.
Spinocerebellar ataxia, autosomal recessive, with axonal neuropathy 2 (SCAN2). Also called: ATAXIA-OCULOMOTOR APRAXIA 2; Ataxia with Oculomotor Apraxia; Ataxia-ocular apraxia-2; Ataxia with Oculomotor Apraxia Type 2. Identifiers: Orphanet 64753, MedGen C1853761, MONDO:0018996, OMIM 606002.
Inborn genetic diseases. Identifiers: MedGen C0950123, MeSH D030342.

Submissions (2):

Ambry Genetics
Classification: Uncertain significance for Inborn genetic diseases. Last evaluated: 2023-06-02. Review status: criteria provided, single submitter. Criteria: Ambry Variant Classification Scheme 2023. Collection method: clinical testing. Allele origin: germline.

Labcorp Genetics (formerly Invitae), Labcorp
Classification: Uncertain significance for Amyotrophic lateral sclerosis type 4; Spinocerebellar ataxia, autosomal recessive, with axonal neuropathy 2. Last evaluated: 2022-08-23. Review status: criteria provided, single submitter. Criteria: Invitae Variant Classification Sherloc (09022015). Collection method: clinical testing. Allele origin: germline.
Comment: In summary, the available evidence is currently insufficient to determine the role of this variant in disease. Therefore, it has been classified as a Variant of Uncertain Significance. Advanced modeling of protein sequence and biophysical properties (such as structural, functional, and spatial information, amino acid conservation, physicochemical variation, residue mobility, and thermodynamic stability) performed at Invitae indicates that this missense variant is not expected to disrupt SETX protein function. ClinVar contains an entry for this variant (Variation ID: 1377657). This variant has not been reported in the literature in individuals affected with SETX-related conditions. This variant is not present in population databases (gnomAD no frequency). This sequence change replaces glutamic acid, which is acidic and polar, with glutamine, which is neutral and polar, at codon 275 of the SETX protein (p.Glu275Gln).

NM_015046.7(SETX):c.823G>C (p.Glu275Gln)

Gene: SETX (senataxin; minus strand). Cytogenetic location: 9q34.13.
Variant type: single nucleotide variant.
Coding change: c.823G>C on transcript NM_015046.7 (MANE Select); coding-DNA position 823, G replaced by C.
Protein change: p.Glu275Gln; replaces glutamic acid 275 with glutamine.
Molecular consequence: missense variant.
Genome position (GRCh38, 1-based): chr9:132,334,623, C>G on the plus strand (G>C on the coding strand, the complement: SETX is on the minus strand). VCF-style: chr9-132334623-C-G. GRCh37 (hg19) VCF-style: chr9-135210010-C-G.
Other names: c.823G>C, p.Glu275Gln (NM_001351527.2, NM_001351528.2); c.823G>C (NM_015046.5); short protein forms E275Q.
Identifiers: ClinVar variation 1377657 (VCV001377657.7), dbSNP rs901741485, ClinGen allele CA375348512.
Genomic context (GRCh38, chr9:132,334,623, plus strand): 5'-CATCATCACTATATTCAACAACATTCAGCAAGTAAAGTTTATTACCATCTGCTTCCCTCT[C>G]CATAGTGTGAAGTATCGATTGCATAAAATCATTTTGTTTGTCTGAGCCCAACAACAGGGA-3'
Protein context (NP_055861.3, residues 265-285): DFMQSILHTM[Glu275Gln]READDDSVDP